The following is an entry in ClinVar:

ClinVar aggregate classification (germline): Likely benign. Review status: criteria provided, multiple submitters, no conflicts (2 of 4 stars). 4 submissions from 4 submitters: Likely benign (3). 1 of the submissions does not count toward it. Last evaluated 2025-07-13.

Conditions:
AHDC1-related disorder. Also called: AHDC1-related condition.

Allele frequency attached by ClinVar (database versions not stated): gnomAD exomes 0.00004 and 0.00007; gnomAD 0.00005; ExAC 0.00006.

Submissions (4):

Labcorp Genetics (formerly Invitae), Labcorp
Classification: Likely benign. Last evaluated: 2025-07-13. Review status: criteria provided, single submitter. Criteria: Invitae Variant Classification Sherloc (09022015). Collection method: clinical testing. Allele origin: germline.

CeGaT Center for Human Genetics Tuebingen
Classification: Likely benign. Last evaluated: 2024-02-01. Review status: criteria provided, single submitter. Criteria: CeGaT Center For Human Genetics Tuebingen Variant Classification Criteria Version 2. Collection method: clinical testing. Allele origin: germline. Affected: yes. Observed: 1 variant allele.
Comment: AHDC1: BP4

GeneDx
Classification: Likely benign. Last evaluated: 2020-04-02. Review status: criteria provided, single submitter. Criteria: GeneDx Variant Classification Process June 2021. Collection method: clinical testing. Allele origin: germline. Affected: yes.

PreventionGenetics, part of Exact Sciences
Classification: Likely benign for AHDC1-related condition. Last evaluated: 2019-09-19. Review status: no assertion criteria provided. Collection method: clinical testing. Allele origin: germline. Not counted in ClinVar's aggregate classification.
Comment: This variant is classified as likely benign based on ACMG/AMP sequence variant interpretation guidelines (Richards et al. 2015 PMID: 25741868, with internal and published modifications).

NM_001371928.1(AHDC1):c.2562C>T (p.Asp854=)

Gene: AHDC1 (AT-hook DNA binding motif containing 1; minus strand). Cytogenetic location: 1p36.11.
Variant type: single nucleotide variant.
Coding change: c.2562C>T on transcript NM_001371928.1 (MANE Select); coding-DNA position 2562, C replaced by T.
Protein change: p.Asp854=; no amino-acid change (aspartic acid 854 retained).
Molecular consequence: synonymous variant.
Genome position (GRCh38, 1-based): chr1:27,549,554, G>A on the plus strand (C>T on the coding strand, the complement: AHDC1 is on the minus strand). VCF-style: chr1-27549554-G-A. GRCh37 (hg19) VCF-style: chr1-27876065-G-A.
Other names: c.2562C>T, p.Asp854= (NM_001029882.3).
Identifiers: ClinVar variation 1201122 (VCV001201122.34), dbSNP rs758438316, ClinGen allele CA715743.
Genomic context (GRCh38, chr1:27,549,554, plus strand): 5'-TGGCCCTGCATAGGTGCCCGATGCCTTCCGGGACTCTGGGCGAGAGGCTGAGAGGGCAAA[G>A]TCCAAGAGATCGGAGGAGTCATCCGAATCGAGCAGCGAGCGAAAGTAGCCGGTGAAGAGG-3'
Protein context (NP_001358857.1, residues 844-864): LDSDDSSDLL[Asp854=]FALSASRPES